The following is an entry in ClinVar:

ClinVar aggregate classification (germline): Uncertain significance (1 of 4 stars; one submission).

Conditions:
Cardiovascular phenotype. Identifiers: MedGen CN230736.

gnomAD v4.1: 6 of 1,549,882 alleles (0.00039%); highest among the groups gnomAD compares: Non-Finnish European, 0.00052%; no homozygotes.

Submission:

Ambry Genetics
Classification: Uncertain significance for Cardiovascular phenotype. Last evaluated: 2022-06-14. Review status: criteria provided, single submitter. Criteria: Ambry Variant Classification Scheme 2023. Collection method: clinical testing. Allele origin: germline.
Comment: The p.G2631V variant (also known as c.7892G>T), located in coding exon 2 of the ZNF469 gene, results from a G to T substitution at nucleotide position 7892. The glycine at codon 2631 is replaced by valine, an amino acid with dissimilar properties. This amino acid position is conserved. In addition, this alteration is predicted to be tolerated by in silico analysis. Since supporting evidence is limited at this time, the clinical significance of this alteration remains unclear.

NM_001367624.2(ZNF469):c.7976G>T (p.Gly2659Val)

Gene: ZNF469 (zinc finger protein 469; plus strand). Cytogenetic location: 16q24.2.
Variant type: single nucleotide variant.
Coding change: c.7976G>T on transcript NM_001367624.2 (MANE Select); coding-DNA position 7976, G replaced by T.
Protein change: p.Gly2659Val; replaces glycine 2659 with valine.
Molecular consequence: missense variant.
Genome position (GRCh38, 1-based): chr16:88,435,446, G>T. VCF-style: chr16-88435446-G-T. GRCh37 (hg19) VCF-style: chr16-88501854-G-T.
Other names: NM_001127464.1:c.7892G>T; short protein forms G2659V.
Identifiers: ClinVar variation 1761055 (VCV001761055.2), dbSNP rs535466615, ClinGen allele CA286383326.